The following is an entry in ClinVar:

NM_000370.3(TTPA):c.727del (p.Leu243fs)

Gene: TTPA (alpha tocopherol transfer protein; minus strand). Cytogenetic location: 8q12.3.
Variant type: Deletion.
Coding change: c.727del on transcript NM_000370.3 (MANE Select); coding-DNA position 727, one base deleted (C; older notation c.727delC).
Protein change: p.Leu243fs; shifts the reading frame from leucine 243.
Molecular consequence: frameshift variant.
Genome position (GRCh38, 1-based): chr8:63,061,362, G deleted on the plus strand (C on the coding strand, the reverse complement: TTPA is on the minus strand). VCF-style (leftmost placement, unchanged base first): chr8-63061361-AG-A. GRCh37 (hg19) VCF-style: chr8-63973920-AG-A.
Other names: short protein forms L243fs.
Identifiers: ClinVar variation 1070113 (VCV001070113.9), dbSNP rs2129734482, ClinGen allele CA2499219375.

ClinVar aggregate classification (germline): Pathogenic (1 of 4 stars; one submission).

Submission:

Labcorp Genetics (formerly Invitae), Labcorp
Classification: Pathogenic. Last evaluated: 2023-09-08. Review status: criteria provided, single submitter. Criteria: Invitae Variant Classification Sherloc (09022015). Collection method: clinical testing. Allele origin: germline.
Comment: This variant is not present in population databases (gnomAD no frequency). This variant has not been reported in the literature in individuals affected with TTPA-related conditions. ClinVar contains an entry for this variant (Variation ID: 1070113). This variant disrupts a region of the TTPA protein in which other variant(s) (p.Glu249Asnfs*15) have been determined to be pathogenic (PMID: 26068213). This suggests that this is a clinically significant region of the protein, and that variants that disrupt it are likely to be disease-causing. For these reasons, this variant has been classified as Pathogenic. This sequence change creates a premature translational stop signal (p.Leu243Trpfs*21) in the TTPA gene. While this is not anticipated to result in nonsense mediated decay, it is expected to disrupt the last 36 amino acid(s) of the TTPA protein.

Literature cited by the submitters: PubMed 26068213.